The following is an entry in ClinVar:

ClinVar aggregate classification (germline): Uncertain significance (1 of 4 stars; one submission).

Conditions:
Fanconi anemia (FA). Also called: Fanconi's anemia. Identifiers: Orphanet 84, MedGen C0015625, MeSH D005199, MONDO:0019391.

Allele frequency attached by ClinVar (database versions not stated): gnomAD 0.00001; gnomAD exomes 0.00001; TOPMed 0.00001; ExAC 0.00002.
gnomAD v4.1: 19 of 1,614,060 alleles (0.0012%); highest among the groups gnomAD compares: Non-Finnish European, 0.0016%; no homozygotes.

Submission:

Labcorp Genetics (formerly Invitae), Labcorp
Classification: Uncertain significance for Fanconi anemia. Last evaluated: 2022-07-12. Review status: criteria provided, single submitter. Criteria: Invitae Variant Classification Sherloc (09022015). Collection method: clinical testing. Allele origin: germline.
Comment: In summary, the available evidence is currently insufficient to determine the role of this variant in disease. Therefore, it has been classified as a Variant of Uncertain Significance. Algorithms developed to predict the effect of missense changes on protein structure and function (SIFT, PolyPhen-2, Align-GVGD) all suggest that this variant is likely to be tolerated. ClinVar contains an entry for this variant (Variation ID: 407925). This variant has not been reported in the literature in individuals affected with SLX4-related conditions. This variant is present in population databases (rs751802145, gnomAD 0.002%). This sequence change replaces isoleucine, which is neutral and non-polar, with valine, which is neutral and non-polar, at codon 67 of the SLX4 protein (p.Ile67Val).

NM_032444.4(SLX4):c.199A>G (p.Ile67Val)

Gene: SLX4 (SLX4 structure-specific endonuclease subunit; minus strand). Cytogenetic location: 16p13.3.
Variant type: single nucleotide variant.
Coding change: c.199A>G on transcript NM_032444.4 (MANE Select); coding-DNA position 199, A replaced by G.
Protein change: p.Ile67Val; replaces isoleucine 67 with valine.
Molecular consequence: missense variant.
Genome position (GRCh38, 1-based): chr16:3,608,766, T>C on the plus strand (A>G on the coding strand, the complement: SLX4 is on the minus strand). VCF-style: chr16-3608766-T-C. GRCh37 (hg19) VCF-style: chr16-3658767-T-C.
Other names: c.199A>G (LRG_503t1); short protein forms I67V.
Identifiers: ClinVar variation 407925 (VCV000407925.8), dbSNP rs751802145, ClinGen allele CA7866928.